The following is an entry in ClinVar:

NM_001367624.2(ZNF469):c.7466G>A (p.Arg2489Gln)

Gene: ZNF469 (zinc finger protein 469; plus strand). Cytogenetic location: 16q24.2.
Variant type: single nucleotide variant.
Coding change: c.7466G>A on transcript NM_001367624.2 (MANE Select); coding-DNA position 7466, G replaced by A.
Protein change: p.Arg2489Gln; replaces arginine 2489 with glutamine.
Molecular consequence: missense variant.
Genome position (GRCh38, 1-based): chr16:88,434,936, G>A. VCF-style: chr16-88434936-G-A. GRCh37 (hg19) VCF-style: chr16-88501344-G-A.
Other names: NM_001127464.1:c.7382G>A; NM_001127464.2:c.7382G>A; p.Arg2489Gln; short protein forms R2489Q.
Identifiers: ClinVar variation 392660 (VCV000392660.89), dbSNP rs547492890, ClinGen allele CA8225247.

ClinVar aggregate classification (germline): Benign/Likely benign. Review status: criteria provided, multiple submitters, no conflicts (2 of 4 stars). 8 submissions from 8 submitters: Benign (3); Likely benign (4). 1 of the submissions does not count toward it. Last evaluated 2026-02-02.

Conditions:
ZNF469-related disorder. Also called: ZNF469-related condition.
Cardiovascular phenotype. Identifiers: MedGen CN230736.

Allele frequency attached by ClinVar (database versions not stated): ExAC 0.00015; TOPMed 0.00017; 1000 Genomes Project 0.00020; 1000 Genomes Project 30x 0.00031; gnomAD exomes 0.00098; gnomAD 0.00129 and 0.00135.
gnomAD v4.1: 872 of 1,550,110 alleles (0.056%); highest among the groups gnomAD compares: Non-Finnish European, 0.026%; 4 homozygotes.

Submissions (8):

Labcorp Genetics (formerly Invitae), Labcorp
Classification: Benign. Last evaluated: 2026-02-02. Review status: criteria provided, single submitter. Criteria: Invitae Variant Classification Sherloc (09022015). Collection method: clinical testing. Allele origin: germline.

Women's Health and Genetics/Laboratory Corporation of America, LabCorp
Classification: Likely benign. Last evaluated: 2025-10-14. Review status: criteria provided, single submitter. Criteria: LabCorp Variant Classification Summary - May 2015. Collection method: clinical testing. Allele origin: germline.
Comment: Variant summary: ZNF469 c.7466G>A (p.Arg2489Gln) results in a conservative amino acid change in the encoded protein sequence. Algorithms developed to predict the effect of missense changes on protein structure and function are either unavailable or do not agree on the potential impact of this missense change. The variant allele was found at a frequency of 0.0012 in 179196 control chromosomes, predominantly at a frequency of 0.0083 within the Non-Finnish European subpopulation in the gnomAD database, including 1 homozygotes. The observed variant frequency within Non-Finnish European control individuals in the gnomAD database exceeds the estimated maximal expected allele frequency for disease-causing variants in ZNF469. To our knowledge, no occurrence of c.7466G>A in individuals affected with ZNF469-related conditions and no experimental evidence demonstrating its impact on protein function have been reported. ClinVar contains an entry for this variant (Variation ID: 392660). Based on the evidence outlined above, the variant was classified as likely benign.

CeGaT Center for Human Genetics Tuebingen
Classification: Benign. Last evaluated: 2025-07-01. Review status: criteria provided, single submitter. Criteria: CeGaT Center For Human Genetics Tuebingen Variant Classification Criteria Version 2. Collection method: clinical testing. Allele origin: germline. Affected: yes. Observed: 8 variant alleles.
Comment: ZNF469: BS1, BS2

Mayo Clinic Laboratories, Mayo Clinic
Classification: Likely benign. Last evaluated: 2025-03-22. Review status: criteria provided, single submitter. Criteria: ACMG Guidelines, 2015. Collection method: clinical testing. Allele origin: germline. Observed: 2 variant alleles.
Comment: BS1, BS2_supporting

Blueprint Genetics
Classification: Likely benign. Last evaluated: 2024-11-04. Review status: criteria provided, single submitter. Criteria: ACMG Guidelines, 2015. Collection method: clinical testing. Allele origin: germline.

Ambry Genetics
Classification: Benign for Cardiovascular phenotype. Last evaluated: 2021-01-04. Review status: criteria provided, single submitter. Criteria: Ambry Variant Classification Scheme 2023. Collection method: clinical testing. Allele origin: germline.

GeneDx
Classification: Likely benign. Last evaluated: 2019-10-31. Review status: criteria provided, single submitter. Criteria: GeneDx Variant Classification Process June 2021. Collection method: clinical testing. Allele origin: germline. Affected: yes.

PreventionGenetics, part of Exact Sciences
Classification: Likely benign for ZNF469-related condition. Last evaluated: 2021-05-10. Review status: no assertion criteria provided. Collection method: clinical testing. Allele origin: germline. Not counted in ClinVar's aggregate classification.
Comment: This variant is classified as likely benign based on ACMG/AMP sequence variant interpretation guidelines (Richards et al. 2015 PMID: 25741868, with internal and published modifications).

Literature cited by the submitters: PubMed 29228253 (cited by Ambry Genetics).